The following is an entry in ClinVar:

NM_001371986.1(UNC80):c.7525A>G (p.Thr2509Ala)

Gene: UNC80 (unc-80 subunit of NALCN channel complex; plus strand). Cytogenetic location: 2q34.
Variant type: single nucleotide variant.
Coding change: c.7525A>G on transcript NM_001371986.1 (MANE Select); coding-DNA position 7525, A replaced by G.
Protein change: p.Thr2509Ala; replaces threonine 2509 with alanine.
Molecular consequence: missense variant.
Genome position (GRCh38, 1-based): chr2:209,957,711, A>G. VCF-style: chr2-209957711-A-G. GRCh37 (hg19) VCF-style: chr2-210822435-A-G.
Other names: c.7327A>G, p.Thr2443Ala (NM_032504.2); c.7312A>G, p.Thr2438Ala (NM_182587.4); short protein forms T2443A, T2509A, T2438A.
Identifiers: ClinVar variation 1427901 (VCV001427901.6), dbSNP rs1012948838, ClinGen allele CA65044288.

ClinVar aggregate classification (germline): Uncertain significance. Review status: criteria provided, multiple submitters, no conflicts (2 of 4 stars). 2 submissions from 2 submitters: Uncertain significance (2). Last evaluated 2026-05-13.

Allele frequency attached by ClinVar (database versions not stated): gnomAD exomes 0.00019 and 0.00006; gnomAD 0.00003; TOPMed 0.00007.
gnomAD v4.1: 38 of 1,551,404 alleles (0.0024%); highest among the groups gnomAD compares: Admixed American, 0.071%; no homozygotes.

Submissions (2):

GeneDx
Classification: Uncertain significance. Last evaluated: 2026-05-13. Review status: criteria provided, single submitter. Criteria: GeneDx Variant Classification Process June 2021. Collection method: clinical testing. Allele origin: germline.
Comment: In silico analysis suggests that this missense variant does not alter protein structure/function; Has not been previously published as pathogenic or benign to our knowledge

Labcorp Genetics (formerly Invitae), Labcorp
Classification: Uncertain significance. Last evaluated: 2023-12-11. Review status: criteria provided, single submitter. Criteria: Invitae Variant Classification Sherloc (09022015). Collection method: clinical testing. Allele origin: germline.
Comment: This sequence change replaces threonine, which is neutral and polar, with alanine, which is neutral and non-polar, at codon 2443 of the UNC80 protein (p.Thr2443Ala). This variant is present in population databases (no rsID available, gnomAD 0.1%). This variant has not been reported in the literature in individuals affected with UNC80-related conditions. ClinVar contains an entry for this variant (Variation ID: 1427901). Advanced modeling of protein sequence and biophysical properties (such as structural, functional, and spatial information, amino acid conservation, physicochemical variation, residue mobility, and thermodynamic stability) performed at Invitae indicates that this missense variant is not expected to disrupt UNC80 protein function with a negative predictive value of 80%. In summary, the available evidence is currently insufficient to determine the role of this variant in disease. Therefore, it has been classified as a Variant of Uncertain Significance.